The following is an entry in ClinVar:

NM_004370.6(COL12A1):c.27_42del (p.Ala10fs)

Gene: COL12A1 (collagen type XII alpha 1 chain; minus strand). Cytogenetic location: 6q14.1.
Variant type: Deletion.
Coding change: c.27_42del on transcript NM_004370.6 (MANE Select); coding-DNA positions 27 to 42, 16 bases deleted (TGCCGCCCTGGGCGCG).
Protein change: p.Ala10fs; shifts the reading frame from alanine 10.
Molecular consequence: frameshift variant.
Genome position (GRCh38, 1-based): chr6:75,202,751-75,202,766, CGCGCCCAGGGCGGCA deleted on the plus strand (TGCCGCCCTGGGCGCG on the coding strand, the reverse complement: COL12A1 is on the minus strand). VCF-style (leftmost placement, unchanged base first): chr6-75202750-CCGCGCCCAGGGCGGCA-C. GRCh37 (hg19) VCF-style: chr6-75912466-CCGCGCCCAGGGCGGCA-C.
Other names: c.27_42del, p.Ala10fs (NM_080645.3); short protein forms A10fs.
Identifiers: ClinVar variation 1395130 (VCV001395130.6), dbSNP rs2149492561, ClinGen allele CA2573141237.
Genomic context (GRCh38, chr6:75,202,750, plus strand): 5'-CACTCGGTGAAGGGGAAGGGAGCCTTTTACCTTCTGCCTCAATGGAAGACAGGAGCAGGG[CCGCGCCCAGGGCGGCA>C]AGCGCTGGGGGAAGCCTACTCCGCATCCTTGGCCTCCGAGCTTACAGCGGCATGAAGAGA-3'

ClinVar aggregate classification (germline): Pathogenic (1 of 4 stars; one submission).

Conditions:
Ullrich congenital muscular dystrophy 2 (UCMD2). Identifiers: Orphanet 75840, MedGen C4225314, MONDO:0014654, OMIM 616470.
Bethlem myopathy 2 (BTHLM2). Identifiers: Orphanet 536516, Orphanet 610, MedGen C4225313, MONDO:0034022, OMIM 616471.

Submission:

Labcorp Genetics (formerly Invitae), Labcorp
Classification: Pathogenic for Bethlem myopathy 2; Ullrich congenital muscular dystrophy 2. Last evaluated: 2021-08-25. Review status: criteria provided, single submitter. Criteria: Invitae Variant Classification Sherloc (09022015). Collection method: clinical testing. Allele origin: germline.
Comment: For these reasons, this variant has been classified as Pathogenic. This variant has not been reported in the literature in individuals affected with COL12A1-related conditions. This variant is not present in population databases (ExAC no frequency). This sequence change creates a premature translational stop signal (p.Ala10Profs*17) in the COL12A1 gene. It is expected to result in an absent or disrupted protein product. Loss-of-function variants in COL12A1 are known to be pathogenic (PMID: 24334604, 28973083).

Literature cited by the submitters: PubMed 24334604; PubMed 28973083.